The following is an entry in ClinVar:

NM_015057.5(MYCBP2):c.10936G>A (p.Ala3646Thr)

Genes: MYCBP2-AS1 (MYCBP2 antisense RNA 1; plus strand), MYCBP2 (MYC binding protein 2; minus strand). Cytogenetic location: 13q22.3.
Variant type: single nucleotide variant.
Coding change: c.10936G>A on transcript NM_015057.5 (MANE Select); coding-DNA position 10936, G replaced by A.
Protein change: p.Ala3646Thr; replaces alanine 3646 with threonine.
Molecular consequence: missense variant.
Genome position (GRCh38, 1-based): chr13:77,083,132, C>T on the plus strand (G>A on the coding strand, the complement: MYCBP2 is on the minus strand). VCF-style: chr13-77083132-C-T. GRCh37 (hg19) VCF-style: chr13-77657267-C-T.
Other names: short protein forms A3646T.
Identifiers: ClinVar variation 3764149 (VCV003764149.1).

ClinVar aggregate classification (germline): Uncertain significance (1 of 4 stars; one submission).

Submission:

GeneDx
Classification: Uncertain significance. Last evaluated: 2024-08-23. Review status: criteria provided, single submitter. Criteria: GeneDx Variant Classification Process June 2021. Collection method: clinical testing. Allele origin: germline. Affected: yes.
Comment: Not observed at significant frequency in large population cohorts (gnomAD); In silico analysis indicates that this missense variant does not alter protein structure/function; Has not been previously published as pathogenic or benign to our knowledge